The following is an entry in ClinVar:

ClinVar aggregate classification (germline): Uncertain significance (0 of 4 stars; one submission).

Conditions:
SEMA3D-related disorder. Also called: SEMA3D-related condition.

gnomAD v4.1: 5 of 1,609,644 alleles (0.00031%); highest among the groups gnomAD compares: Non-Finnish European, 0.00042%; no homozygotes.

Submission:

PreventionGenetics, part of Exact Sciences
Classification: Uncertain significance for SEMA3D-related condition. Last evaluated: 2024-05-22. Review status: no assertion criteria provided. Collection method: clinical testing. Allele origin: germline.
Comment: The SEMA3D c.1786G>A variant is predicted to result in the amino acid substitution p.Ala596Thr. To our knowledge, this variant has not been reported in the literature. This variant is reported in 0.00078% of alleles in individuals of European (Non-Finnish) descent in gnomAD. At this time, the clinical significance of this variant is uncertain due to the absence of conclusive functional and genetic evidence.

NM_001384900.1(SEMA3D):c.1786G>A (p.Ala596Thr)

Gene: SEMA3D (semaphorin 3D; minus strand). Cytogenetic location: 7q21.11.
Variant type: single nucleotide variant.
Coding change: c.1786G>A on transcript NM_001384900.1 (MANE Select); coding-DNA position 1786, G replaced by A.
Protein change: p.Ala596Thr; replaces alanine 596 with threonine.
Molecular consequence: missense variant.
Genome position (GRCh38, 1-based): chr7:85,006,924, C>T on the plus strand (G>A on the coding strand, the complement: SEMA3D is on the minus strand). VCF-style: chr7-85006924-C-T. GRCh37 (hg19) VCF-style: chr7-84636240-C-T.
Other names: c.1786G>A, p.Ala596Thr (NM_001384901.1, NM_001384902.1, NM_001384903.1 and 1 more transcripts); short protein forms A596T.
Identifiers: ClinVar variation 3344836 (VCV003344836.1).
Genomic context (GRCh38, chr7:85,006,924, plus strand): 5'-TAGGTATACATTCCAGAAAGGTTGAGTTAAATTCAATGCCAAAAATCACCTTTTCATCAG[C>T]AGTTTCATGACTAATGCCTGGAAAGCAAACATGGAATAAGAGATTAACCTTGACCTGATT-3'
Protein context (NP_001371829.1, residues 586-606): DIEDSISHET[Ala596Thr]DEKVIFGIEF